The following is an entry in ClinVar:

ClinVar aggregate classification (germline): Likely benign (1 of 4 stars; one submission).

Allele frequency attached by ClinVar (database versions not stated): gnomAD 0.00017; ExAC 0.00019; gnomAD exomes 0.00020; TOPMed 0.00020; ESP Exome Variant Server 0.00046.
gnomAD v4.1: 320 of 1,614,006 alleles (0.02%); highest among the groups gnomAD compares: Non-Finnish European, 0.025%; no homozygotes.

Submission:

CeGaT Center for Human Genetics Tuebingen
Classification: Likely benign. Last evaluated: 2022-03-01. Review status: criteria provided, single submitter. Criteria: CeGaT Center For Human Genetics Tuebingen Variant Classification Criteria Version 2. Collection method: clinical testing. Allele origin: germline. Affected: yes. Observed: 1 variant allele.
Comment: FLG: BP1, BP4

NM_002016.2(FLG):c.11494G>A (p.Glu3832Lys)

Genes: CCDST (cervical cancer associated DHX9 suppressive transcript; plus strand), FLG (filaggrin; minus strand). Cytogenetic location: 1q21.3.
Variant type: single nucleotide variant.
Coding change: c.11494G>A on transcript NM_002016.2 (MANE Select); coding-DNA position 11494, G replaced by A.
Protein change: p.Glu3832Lys; replaces glutamic acid 3832 with lysine.
Molecular consequence: missense variant.
Genome position (GRCh38, 1-based): chr1:152,303,392, C>T on the plus strand (G>A on the coding strand, the complement: FLG is on the minus strand). VCF-style: chr1-152303392-C-T. GRCh37 (hg19) VCF-style: chr1-152275868-C-T.
Other names: short protein forms E3832K.
Identifiers: ClinVar variation 2639222 (VCV002639222.24), dbSNP rs139279364, ClinGen allele CA1102884.